The following is an entry in ClinVar:

NM_001144967.3(NEDD4L):c.514-4G>A

Gene: NEDD4L (NEDD4 like E3 ubiquitin protein ligase; plus strand). Cytogenetic location: 18q21.31.
Variant type: single nucleotide variant.
Coding change: c.514-4G>A on transcript NM_001144967.3 (MANE Select); 4 bases into the intron before coding-DNA position 514, G replaced by A.
Molecular consequence: intron variant.
Genome position (GRCh38, 1-based): chr18:58,324,992, G>A. VCF-style: chr18-58324992-G-A. GRCh37 (hg19) VCF-style: chr18-55992224-G-A.
Other names: p.?; c.514-4G>A (NM_015277.6, NM_001243960.2); c.151-4G>A (NM_001144964.1, NM_001144971.2, NM_001144965.2 and 2 more transcripts); c.490-4G>A (NM_001144968.2, NM_001144969.2).
Identifiers: ClinVar variation 417007 (VCV000417007.16), dbSNP rs78005374, ClinGen allele CA8975383.

ClinVar aggregate classification (germline): Benign/Likely benign. Review status: criteria provided, multiple submitters, no conflicts (2 of 4 stars). 4 submissions from 4 submitters: Benign (2); Likely benign (2). Last evaluated 2026-02-03.

Allele frequency attached by ClinVar (database versions not stated): gnomAD exomes 0.00137 and 0.00325; ExAC 0.00406; 1000 Genomes Project 30x 0.01109; 1000 Genomes Project 0.01218; gnomAD 0.01286 and 0.01389; ESP Exome Variant Server 0.01378; TOPMed 0.01478.
gnomAD v4.1: 4,042 of 1,612,026 alleles (0.25%); highest among the groups gnomAD compares: African/African-American, 4.7%; 84 homozygotes.

Submissions (4):

Labcorp Genetics (formerly Invitae), Labcorp
Classification: Benign. Last evaluated: 2026-02-03. Review status: criteria provided, single submitter. Criteria: Invitae Variant Classification Sherloc (09022015). Collection method: clinical testing. Allele origin: germline.

Mayo Clinic Laboratories, Mayo Clinic
Classification: Benign. Last evaluated: 2025-04-21. Review status: criteria provided, single submitter. Criteria: ACMG Guidelines, 2015. Collection method: clinical testing. Allele origin: germline. Observed: 2 variant alleles.
Comment: BA1, BP4, BP7

GeneDx
Classification: Likely benign. Last evaluated: 2021-01-28. Review status: criteria provided, single submitter. Criteria: GeneDx Variant Classification Process June 2021. Collection method: clinical testing. Allele origin: germline. Affected: yes.

Breakthrough Genomics
Classification: Likely benign. Review status: criteria provided, single submitter. Criteria: ACMG Guidelines, 2015. Collection method: not provided. Allele origin: germline. Inheritance: Autosomal dominant inheritance. Affected: yes.